The following is an entry in ClinVar:

ClinVar aggregate classification (germline): Uncertain significance (1 of 4 stars; one submission).

Conditions:
Kleefstra syndrome 1 (KLEFS1). Identifiers: Orphanet 261494, MedGen C0795833, MONDO:0027407, OMIM 610253.

Submission:

Labcorp Genetics (formerly Invitae), Labcorp
Classification: Uncertain significance for Kleefstra syndrome 1. Last evaluated: 2021-03-25. Review status: criteria provided, single submitter. Criteria: Invitae Variant Classification Sherloc (09022015). Collection method: clinical testing. Allele origin: germline.
Comment: In summary, the available evidence is currently insufficient to determine the role of this variant in disease. Therefore, it has been classified as a Variant of Uncertain Significance. Algorithms developed to predict the effect of missense changes on protein structure and function are either unavailable or do not agree on the potential impact of this missense change (SIFT: "Deleterious"; PolyPhen-2: "Benign"; Align-GVGD: "Class C0"). This variant has not been reported in the literature in individuals with EHMT1-related conditions. This variant is not present in population databases (ExAC no frequency). This sequence change replaces arginine with threonine at codon 666 of the EHMT1 protein (p.Arg666Thr). The arginine residue is moderately conserved and there is a moderate physicochemical difference between arginine and threonine.

NM_024757.5(EHMT1):c.1997G>C (p.Arg666Thr)

Gene: EHMT1 (euchromatic histone lysine methyltransferase 1; plus strand). Cytogenetic location: 9q34.3.
Variant type: single nucleotide variant.
Coding change: c.1997G>C on transcript NM_024757.5 (MANE Select); coding-DNA position 1997, G replaced by C.
Protein change: p.Arg666Thr; replaces arginine 666 with threonine.
Molecular consequence: missense variant.
Genome position (GRCh38, 1-based): chr9:137,776,823, G>C. VCF-style: chr9-137776823-G-C. GRCh37 (hg19) VCF-style: chr9-140671275-G-C.
Other names: c.1997G>C, p.Arg666Thr (NM_001145527.2); c.1904G>C, p.Arg635Thr (NM_001354259.2); c.1976G>C, p.Arg659Thr (NM_001354263.2); short protein forms R666T, R635T, R659T.
Identifiers: ClinVar variation 1519396 (VCV001519396.8), dbSNP rs1588650026, ClinGen allele CA375776975.